The following is an entry in ClinVar:

NM_177924.5(ASAH1):c.202G>C (p.Asp68His)

Gene: ASAH1 (N-acylsphingosine amidohydrolase 1; minus strand). Cytogenetic location: 8p22.
Variant type: single nucleotide variant.
Coding change: c.202G>C on transcript NM_177924.5 (MANE Select); coding-DNA position 202, G replaced by C.
Protein change: p.Asp68His; replaces aspartic acid 68 with histidine.
Molecular consequence: missense variant.
Genome position (GRCh38, 1-based): chr8:18,071,314, C>G on the plus strand (G>C on the coding strand, the complement: ASAH1 is on the minus strand). VCF-style: chr8-18071314-C-G. GRCh37 (hg19) VCF-style: chr8-17928823-C-G.
Other names: c.271G>C, p.Asp91His (NM_001127505.3); c.7G>C, p.Asp3His (NM_001363743.2); c.250G>C, p.Asp84His (NM_004315.6); short protein forms D3H, D68H, D84H, D91H.
Identifiers: ClinVar variation 1437707 (VCV001437707.3), dbSNP rs375066686, ClinGen allele CA4650985.

ClinVar aggregate classification (germline): Uncertain significance (1 of 4 stars; one submission).

Allele frequency attached by ClinVar (database versions not stated): ExAC 0.00001; gnomAD exomes 0.00001 and 0.00003; ESP Exome Variant Server 0.00008; gnomAD 0.00010 and 0.00011; TOPMed 0.00011; 1000 Genomes Project 30x 0.00031.
gnomAD v4.1: 27 of 1,591,726 alleles (0.0017%); highest among the groups gnomAD compares: African/African-American, 0.031%; no homozygotes.

Submission:

Labcorp Genetics (formerly Invitae), Labcorp
Classification: Uncertain significance. Last evaluated: 2022-10-25. Review status: criteria provided, single submitter. Criteria: Invitae Variant Classification Sherloc (09022015). Collection method: clinical testing. Allele origin: germline.
Comment: This sequence change replaces aspartic acid, which is acidic and polar, with histidine, which is basic and polar, at codon 68 of the ASAH1 protein (p.Asp68His). This variant is present in population databases (rs375066686, gnomAD 0.04%). This variant has not been reported in the literature in individuals affected with ASAH1-related conditions. ClinVar contains an entry for this variant (Variation ID: 1437707). Advanced modeling of protein sequence and biophysical properties (such as structural, functional, and spatial information, amino acid conservation, physicochemical variation, residue mobility, and thermodynamic stability) performed at Invitae indicates that this missense variant is not expected to disrupt ASAH1 protein function. In summary, the available evidence is currently insufficient to determine the role of this variant in disease. Therefore, it has been classified as a Variant of Uncertain Significance.